The following is an entry in ClinVar:

NM_002485.5(NBN):c.2185-1G>A

Gene: NBN (nibrin; minus strand). Cytogenetic location: 8q21.3.
Variant type: single nucleotide variant.
Coding change: c.2185-1G>A on transcript NM_002485.5 (MANE Select); the canonical splice acceptor site of the intron before coding-DNA position 2185, G replaced by A.
Molecular consequence: splice acceptor variant.
Genome position (GRCh38, 1-based): chr8:89,937,076, C>T on the plus strand (G>A on the coding strand, the complement: NBN is on the minus strand). VCF-style: chr8-89937076-C-T. GRCh37 (hg19) VCF-style: chr8-90949304-C-T.
Other names: c.1939-1G>A (NM_001024688.3).
Identifiers: ClinVar variation 371428 (VCV000371428.27), dbSNP rs1057517262, ClinGen allele CA16041200.
Genomic context (GRCh38, chr8:89,937,076, plus strand): 5'-CAAACTTTACCTAAAAAGATCATCAGCAAGAGACTCTTCTTTTGCATGTTGATTTTGTAC[C>T]TGTCAAAATTAACATAATTTCAAACATTTGCTCAGTGGTGAATATATAGTTAATGAATTG-3'

ClinVar aggregate classification (germline): Likely pathogenic. Review status: criteria provided, multiple submitters, no conflicts (2 of 4 stars). 6 submissions from 6 submitters: Likely pathogenic (4). 2 of the submissions do not count toward it. Last evaluated 2024-08-09.

Conditions:
Microcephaly, normal intelligence and immunodeficiency (NBS). Also called: Microcephaly with normal intelligence immunodeficiency and lymphoreticular malignancies; Nonsyndromal microcephaly autosomal recessive with normal intelligence; Seemanova syndrome 2; SEEMANOVA SYNDROME II; Ataxia telangiectasia variant V1; Immunodeficiency, microcephaly with normal intelligence. Identifiers: Orphanet 647, MedGen C0398791, MONDO:0009623, OMIM 251260.
Hereditary cancer-predisposing syndrome. Also called: Tumor predisposition; Hereditary Cancer Syndrome; Hereditary neoplastic syndrome; Neoplastic Syndromes, Hereditary. Identifiers: Orphanet 140162, MedGen C0027672, MeSH D009386, MONDO:0015356.
Aplastic anemia. Identifiers: Orphanet 182040, Orphanet 88, MedGen C0002874, MONDO:0015909, OMIM 609135, HP:0001915.

Allele frequency attached by ClinVar (database versions not stated): gnomAD exomes below 0.00001.
gnomAD v4.1: 3 of 1,611,674 alleles (0.00019%); highest among the groups gnomAD compares: Non-Finnish European, 0.00025%; no homozygotes.

Submissions (6):

Ambry Genetics
Classification: Likely pathogenic for Hereditary cancer-predisposing syndrome. Last evaluated: 2024-08-09. Review status: criteria provided, single submitter. Criteria: Ambry Variant Classification Scheme 2023. Collection method: clinical testing. Allele origin: germline.
Comment: The c.2185-1G>A intronic variant results from a G to A substitution one nucleotide upstream from coding exon 15 of the NBN gene. This alteration occurs at the 3' terminus of the NBN gene, is not expected to trigger nonsense-mediated mRNA decay, and only impacts the last 26 amino acids of the protein. The exact functional effect of this alteration is unknown; however, the impacted region is critical for protein function (Ambry internal data). This variant is considered to be rare based on population cohorts in the Genome Aggregation Database (gnomAD). This nucleotide position is highly conserved in available vertebrate species. In silico splice site analysis predicts that this alteration will weaken the native splice acceptor site. RNA studies have demonstrated that this alteration results in abnormal splicing in the set of samples tested (Ambry internal data). Based on the majority of available evidence to date, this variant is likely to be pathogenic.

Laboratory of Medical Genetics, National & Kapodistrian University of Athens
Classification: Likely pathogenic for Microcephaly, normal intelligence and immunodeficiency. Last evaluated: 2024-02-01. Review status: criteria provided, single submitter. Criteria: ACMG Guidelines, 2015. Collection method: curation. Allele origin: germline. Affected: no.

Labcorp Genetics (formerly Invitae), Labcorp
Classification: Likely pathogenic for Microcephaly, normal intelligence and immunodeficiency. Last evaluated: 2023-09-18. Review status: criteria provided, single submitter. Criteria: Invitae Variant Classification Sherloc (09022015). Collection method: clinical testing. Allele origin: germline.
Comment: This variant has not been reported in the literature in individuals affected with NBN-related conditions. ClinVar contains an entry for this variant (Variation ID: 371428). This variant is not present in population databases (gnomAD no frequency). This sequence change affects an acceptor splice site in intron 14 of the NBN gene. It is expected to disrupt RNA splicing. Variants that disrupt the donor or acceptor splice site typically lead to a loss of protein function (PMID: 16199547), and loss-of-function variants in NBN are known to be pathogenic (PMID: 9590180, 16415040). Algorithms developed to predict the effect of sequence changes on RNA splicing suggest that this variant may disrupt the consensus splice site. In summary, the currently available evidence indicates that the variant is pathogenic, but additional data are needed to prove that conclusively. Therefore, this variant has been classified as Likely Pathogenic.

Baylor Genetics
Classification: Likely pathogenic for Aplastic anemia. Last evaluated: 2022-07-09. Review status: criteria provided, single submitter. Criteria: ACMG Guidelines, 2015. Collection method: clinical testing. Allele origin: unknown.

Natera, Inc.
Classification: Likely pathogenic for Nijmegen breakage syndrome. Last evaluated: 2021-03-11. Review status: no assertion criteria provided. Collection method: clinical testing. Allele origin: germline. Not counted in ClinVar's aggregate classification.

Counsyl
Classification: Likely pathogenic for Microcephaly, normal intelligence and immunodeficiency. Last evaluated: 2016-09-22. Review status: no assertion criteria provided. Collection method: clinical testing. Allele origin: unknown. Not counted in ClinVar's aggregate classification.

Literature cited by the submitters: PubMed 16199547 (cited by Labcorp Genetics (formerly Invitae), Labcorp); PubMed 9590180 (cited by Labcorp Genetics (formerly Invitae), Labcorp); PubMed 16415040 (cited by Labcorp Genetics (formerly Invitae), Labcorp).